The following is an entry in ClinVar:

ClinVar aggregate classification (germline): Uncertain significance (1 of 4 stars; one submission).

Conditions:
Agammaglobulinemia 3, autosomal recessive (AGM3). Also called: AGAMMAGLOBULINEMIA 3; AGAMMAGLOBULINEMIA, AUTOSOMAL RECESSIVE, DUE TO CD79A DEFECT. Identifiers: MedGen C3150751, MONDO:0013288, OMIM 613501.

Submission:

Labcorp Genetics (formerly Invitae), Labcorp
Classification: Uncertain significance for Agammaglobulinemia 3, autosomal recessive. Last evaluated: 2020-08-26. Review status: criteria provided, single submitter. Criteria: Invitae Variant Classification Sherloc (09022015). Collection method: clinical testing. Allele origin: germline.
Comment: Algorithms developed to predict the effect of missense changes on protein structure and function (SIFT, PolyPhen-2, Align-GVGD) all suggest that this variant is likely to be disruptive, but these predictions have not been confirmed by published functional studies and their clinical significance is uncertain. This variant has not been reported in the literature in individuals with CD79A-related conditions. This variant is not present in population databases (ExAC no frequency). This sequence change replaces glycine with valine at codon 27 of the CD79A protein (p.Gly27Val). The glycine residue is highly conserved and there is a moderate physicochemical difference between glycine and valine. In summary, the available evidence is currently insufficient to determine the role of this variant in disease. Therefore, it has been classified as a Variant of Uncertain Significance.

NM_001783.4(CD79A):c.80G>T (p.Gly27Val)

Genes: RPS19-CD79A (RPS19-CD79A readthrough; plus strand), CD79A (CD79a molecule; plus strand). Cytogenetic location: 19q13.2.
Variant type: single nucleotide variant.
Coding change: c.80G>T on transcript NM_001783.4 (MANE Select); coding-DNA position 80, G replaced by T.
Protein change: p.Gly27Val; replaces glycine 27 with valine.
Molecular consequence: missense variant.
Genome position (GRCh38, 1-based): chr19:41,878,990, G>T. VCF-style: chr19-41878990-G-T. GRCh37 (hg19) VCF-style: chr19-42383060-G-T.
Other names: c.80G>T, p.Gly27Val (NM_021601.4); short protein forms G27V.
Identifiers: ClinVar variation 999887 (VCV000999887.8), dbSNP rs2074204427, ClinGen allele CA406033964.